The following is an entry in ClinVar:

NM_177438.3(DICER1):c.4984del (p.Ile1663fs)

Gene: DICER1 (dicer 1, ribonuclease III; minus strand). Cytogenetic location: 14q32.13.
Variant type: Deletion.
Coding change: c.4984del on transcript NM_177438.3 (MANE Select); coding-DNA position 4984, one base deleted (C; older notation c.4984delC).
Protein change: p.Ile1663fs; shifts the reading frame from isoleucine 1663.
Molecular consequence: frameshift variant.
Genome position (GRCh38, 1-based): chr14:95,095,936, G deleted on the plus strand (C on the coding strand, the reverse complement: DICER1 is on the minus strand); the first of 2 consecutive G bases (chr14:95,095,936-95,095,937); deleting either gives the same sequence. VCF-style (leftmost placement, unchanged base first): chr14-95095935-AG-A. GRCh37 (hg19) VCF-style: chr14-95562272-AG-A.
Other names: c.4984delC (NM_177438.2); c.4984del, p.Ile1663fs (NM_001195573.1, NM_001271282.3, NM_001291628.2 and 1 more transcripts); short protein forms I1663fs.
Identifiers: ClinVar variation 429121 (VCV000429121.13), dbSNP rs1131691196, ClinGen allele CA645369628.

ClinVar aggregate classification (germline): Pathogenic. Review status: criteria provided, multiple submitters, no conflicts (2 of 4 stars). 2 submissions from 2 submitters: Pathogenic (2). Last evaluated 2025-05-08.

Conditions:
DICER1-related tumor predisposition. Also called: DICER1-related pleuropulmonary blastoma cancer predisposition syndrome; DICER1 syndrome. Identifiers: Orphanet 284343, MedGen C3839822, MONDO:0100216.
Hereditary cancer-predisposing syndrome. Also called: Hereditary neoplastic syndrome; Tumor predisposition; Neoplastic Syndromes, Hereditary; Hereditary Cancer Syndrome. Identifiers: Orphanet 140162, MedGen C0027672, MeSH D009386, MONDO:0015356.

Submissions (2):

Ambry Genetics
Classification: Pathogenic for Hereditary cancer-predisposing syndrome. Last evaluated: 2025-05-08. Review status: criteria provided, single submitter. Criteria: Ambry Variant Classification Scheme 2023. Collection method: clinical testing. Allele origin: germline.
Comment: The c.4984delC pathogenic mutation, located in coding exon 22 of the DICER1 gene, results from a deletion of one nucleotide at nucleotide position 4984, causing a translational frameshift with a predicted alternate stop codon (p.I1663Yfs*42). This variant is considered to be rare based on population cohorts in the Genome Aggregation Database (gnomAD). This alteration is expected to result in loss of function by premature protein truncation or nonsense-mediated mRNA decay. As such, this alteration is interpreted as a disease-causing mutation.

Labcorp Genetics (formerly Invitae), Labcorp
Classification: Pathogenic for DICER1-related tumor predisposition. Last evaluated: 2019-10-16. Review status: criteria provided, single submitter. Criteria: Invitae Variant Classification Sherloc (09022015). Collection method: clinical testing. Allele origin: germline.
Comment: This sequence change creates a premature translational stop signal (p.Ile1663Tyrfs*42) in the DICER1 gene. It is expected to result in an absent or disrupted protein product. This variant is not present in population databases (ExAC no frequency). This variant has not been reported in the literature in individuals with DICER1-related conditions. ClinVar contains an entry for this variant (Variation ID: 429121). Loss-of-function variants in DICER1 are known to be pathogenic (PMID: 19556464, 21266384). For these reasons, this variant has been classified as Pathogenic.

Literature cited by the submitters: PubMed 19556464 (cited by Labcorp Genetics (formerly Invitae), Labcorp); PubMed 21266384 (cited by Labcorp Genetics (formerly Invitae), Labcorp).